The following is an entry in ClinVar:

ClinVar aggregate classification (germline): Uncertain significance (1 of 4 stars; one submission).

Conditions:
Cardiovascular phenotype. Identifiers: MedGen CN230736.

Submission:

Ambry Genetics
Classification: Uncertain significance for Cardiovascular phenotype. Last evaluated: 2024-03-07. Review status: criteria provided, single submitter. Criteria: Ambry Variant Classification Scheme 2023. Collection method: clinical testing. Allele origin: germline.
Comment: The p.E513A variant (also known as c.1538A>C), located in coding exon 8 of the TBX5 gene, results from an A to C substitution at nucleotide position 1538. The glutamic acid at codon 513 is replaced by alanine, an amino acid with dissimilar properties. This amino acid position is conserved. In addition, the in silico prediction for this alteration is inconclusive. Based on the available evidence, the clinical significance of this alteration remains unclear.

NM_181486.4(TBX5):c.1538A>C (p.Glu513Ala)

Gene: TBX5 (T-box transcription factor 5; minus strand). Cytogenetic location: 12q24.21.
Variant type: single nucleotide variant.
Coding change: c.1538A>C on transcript NM_181486.4 (MANE Select); coding-DNA position 1538, A replaced by C.
Protein change: p.Glu513Ala; replaces glutamic acid 513 with alanine.
Molecular consequence: missense variant.
Genome position (GRCh38, 1-based): chr12:114,355,551, T>G on the plus strand (A>C on the coding strand, the complement: TBX5 is on the minus strand). VCF-style: chr12-114355551-T-G. GRCh37 (hg19) VCF-style: chr12-114793356-T-G.
Other names: c.1538A>C, p.Glu513Ala (NM_000192.3); c.1388A>C, p.Glu463Ala (NM_080717.4); short protein forms E463A, E513A.
Identifiers: ClinVar variation 3230603 (VCV003230603.1), dbSNP rs1868836414, ClinGen allele CA386924855.